The following is an entry in ClinVar:

ClinVar aggregate classification (germline): Uncertain significance (1 of 4 stars; one submission).

gnomAD v4.1: 36 of 1,209,632 alleles (0.003%); highest among the groups gnomAD compares: Non-Finnish European, 0.004%; no homozygotes.

Submission:

Labcorp Genetics (formerly Invitae), Labcorp
Classification: Uncertain significance. Last evaluated: 2025-08-18. Review status: criteria provided, single submitter. Criteria: Invitae Variant Classification Sherloc (09022015). Collection method: clinical testing. Allele origin: germline.
Comment: This sequence change replaces asparagine, which is neutral and polar, with aspartic acid, which is acidic and polar, at codon 534 of the TLR7 protein (p.Asn534Asp). This variant is not present in population databases (gnomAD no frequency). This variant has not been reported in the literature in individuals affected with TLR7-related conditions. An algorithm developed to predict the effect of missense changes on protein structure and function (PolyPhen-2) suggests that this variant is likely to be tolerated. In summary, the available evidence is currently insufficient to determine the role of this variant in disease. Therefore, it has been classified as a Variant of Uncertain Significance.

NM_016562.4(TLR7):c.1600A>G (p.Asn534Asp)

Gene: TLR7 (toll like receptor 7; plus strand). Cytogenetic location: Xp22.2.
Variant type: single nucleotide variant.
Coding change: c.1600A>G on transcript NM_016562.4 (MANE Select); coding-DNA position 1600, A replaced by G.
Protein change: p.Asn534Asp; replaces asparagine 534 with aspartic acid.
Molecular consequence: missense variant.
Genome position (GRCh38, 1-based): chrX:12,887,108, A>G. VCF-style: chrX-12887108-A-G. GRCh37 (hg19) VCF-style: chrX-12905227-A-G.
Other names: short protein forms N534D.
Identifiers: ClinVar variation 4764686 (VCV004764686.1).